The following is an entry in ClinVar:

ClinVar aggregate classification (germline): Uncertain significance (1 of 4 stars; one submission).

Conditions:
Factor H deficiency (CFHD). Also called: COMPLEMENT FACTOR H DEFICIENCY; CFH DEFICIENCY. Identifiers: Orphanet 200421, MedGen C0398777, MONDO:0012350, OMIM 609814.

Submission:

Genomenon, Inc
Classification: Uncertain significance for Factor H deficiency. Last evaluated: 2026-09-17. Review status: criteria provided, single submitter. Criteria: Genomenon Sequence Variant Interpretation Standards - Updated. Collection method: curation. Allele origin: germline. Affected: yes.
Comment: CFH p.Arg2Ile (c.5G>T) is a missense variant that changes the amino acid at codon 2 from arginine to isoleucine. This variant has been observed in at least one proband affected with complement factor H deficiency (PMID: 34211499). It is absent or not present at a significant frequency in gnomAD. In silico models predict that this variant is not damaging. In conclusion, we classify CFH p.Arg2Ile (c.5G>T) as a variant of uncertain significance.

Literature cited by the submitters: PubMed 34211499.

NM_000186.4(CFH):c.5G>T (p.Arg2Ile)

Gene: CFH (complement factor H; plus strand). Cytogenetic location: 1q31.3.
Variant type: single nucleotide variant.
Coding change: c.5G>T on transcript NM_000186.4 (MANE Select); coding-DNA position 5, G replaced by T.
Protein change: p.Arg2Ile; replaces arginine 2 with isoleucine.
Molecular consequence: missense variant.
Genome position (GRCh38, 1-based): chr1:196,652,122, G>T. VCF-style: chr1-196652122-G-T. GRCh37 (hg19) VCF-style: chr1-196621252-G-T.
Other names: c.5G>T, p.Arg2Ile (NM_001014975.3); short protein forms R2I.
Identifiers: ClinVar variation 4291361 (VCV004291361.2).